The following is an entry in ClinVar:

ClinVar aggregate classification (germline): Likely pathogenic (1 of 4 stars; one submission).

Conditions:
Jeune thoracic dystrophy. Also called: Jeune syndrome; Infantile thoracic dystrophy; Thoracic pelvic phalangeal dystrophy; Jeune's syndrome; Chondroectodermal dysplasia-like syndrome; Short-rib thoracic dysplasia. Identifiers: Orphanet 474, MedGen C0265275, MONDO:0018770.

Allele frequency attached by ClinVar (database versions not stated): ExAC 0.00001; gnomAD 0.00001; gnomAD exomes 0.00001; TOPMed 0.00001.
gnomAD v4.1: 17 of 1,612,302 alleles (0.0011%); highest among the groups gnomAD compares: East Asian, 0.0022%; no homozygotes.

Submission:

Labcorp Genetics (formerly Invitae), Labcorp
Classification: Likely pathogenic for Jeune thoracic dystrophy. Last evaluated: 2025-12-31. Review status: criteria provided, single submitter. Criteria: Invitae Variant Classification Sherloc (09022015). Collection method: clinical testing. Allele origin: germline.
Comment: This sequence change replaces arginine, which is basic and polar, with cysteine, which is neutral and slightly polar, at codon 3004 of the DYNC2H1 protein (p.Arg3004Cys). This variant is present in population databases (rs752449341, gnomAD 0.01%). This missense change has been observed in individual(s) with asphyxiating thoracic dystrophy (PMID: 25410398, 35627109). In at least one individual the data is consistent with being in trans (on the opposite chromosome) from a pathogenic variant. ClinVar contains an entry for this variant (Variation ID: 3014029). Invitae Evidence Modeling of protein sequence and biophysical properties (such as structural, functional, and spatial information, amino acid conservation, physicochemical variation, residue mobility, and thermodynamic stability) indicates that this missense variant is expected to disrupt DYNC2H1 protein function with a positive predictive value of 95%. In summary, the currently available evidence indicates that the variant is pathogenic, but additional data are needed to prove that conclusively. Therefore, this variant has been classified as Likely Pathogenic.

Literature cited by the submitters: PubMed 25410398; PubMed 35627109.

NM_001377.3(DYNC2H1):c.9010C>T (p.Arg3004Cys)

Gene: DYNC2H1 (dynein cytoplasmic 2 heavy chain 1; plus strand). Cytogenetic location: 11q22.3.
Variant type: single nucleotide variant.
Coding change: c.9010C>T on transcript NM_001377.3 (MANE Select); coding-DNA position 9010, C replaced by T.
Protein change: p.Arg3004Cys; replaces arginine 3004 with cysteine.
Molecular consequence: missense variant.
Genome position (GRCh38, 1-based): chr11:103,220,686, C>T. VCF-style: chr11-103220686-C-T. GRCh37 (hg19) VCF-style: chr11-103091415-C-T.
Other names: c.9010C>T, p.Arg3004Cys (NM_001080463.2); short protein forms R3004C.
Identifiers: ClinVar variation 3014029 (VCV003014029.4), dbSNP rs752449341, ClinGen allele CA6254586.